The following is an entry in ClinVar:

ClinVar aggregate classification (germline): Conflicting classifications of pathogenicity. Review status: criteria provided, conflicting classifications (1 of 4 stars). 8 submissions from 8 submitters: Uncertain significance (6); Likely benign (1). 1 of the submissions does not count toward it. Last evaluated 2026-01-06.

Conditions:
Left ventricular noncompaction 10 (LVNC10). Identifiers: Orphanet 154, Orphanet 54260, MedGen C3715165, MONDO:0014163, OMIM 615396.
Hypertrophic cardiomyopathy. Also called: HYPERTROPHIC MYOCARDIOPATHY. Identifiers: Orphanet 217569, MedGen C0007194, MeSH D002312, MONDO:0005045, HP:0001639.
Cardiovascular phenotype. Identifiers: MedGen CN230736.
Cardiomyopathy (CMYO). Also called: Cardiomyopathies. Identifiers: Orphanet 167848, MedGen C0878544, MONDO:0004994, HP:0001638. Inheritance: Various modes of inheritance.

Allele frequency attached by ClinVar (database versions not stated): gnomAD 0.00003 and 0.00002; TOPMed 0.00002.
gnomAD v4.1: 30 of 1,611,616 alleles (0.0019%); highest among the groups gnomAD compares: Non-Finnish European, 0.0024%; no homozygotes.

Submissions (8):

Labcorp Genetics (formerly Invitae), Labcorp
Classification: Uncertain significance for Hypertrophic cardiomyopathy. Last evaluated: 2026-01-06. Review status: criteria provided, single submitter. Criteria: Invitae Variant Classification Sherloc (09022015). Collection method: clinical testing. Allele origin: germline.
Comment: This sequence change replaces isoleucine, which is neutral and non-polar, with leucine, which is neutral and non-polar, at codon 415 of the MYBPC3 protein (p.Ile415Leu). This variant is present in population databases (no rsID available, gnomAD 0.01%). This variant has not been reported in the literature in individuals affected with MYBPC3-related conditions. ClinVar contains an entry for this variant (Variation ID: 618225). An algorithm developed to predict the effect of missense changes on protein structure and function (PolyPhen-2) suggests that this variant is likely to be tolerated. In summary, the available evidence is currently insufficient to determine the role of this variant in disease. Therefore, it has been classified as a Variant of Uncertain Significance.

Ambry Genetics
Classification: Likely benign for Cardiovascular phenotype. Last evaluated: 2024-12-30. Review status: criteria provided, single submitter. Criteria: Ambry Variant Classification Scheme 2023. Collection method: clinical testing. Allele origin: germline.

All of Us Research Program, National Institutes of Health
Classification: Uncertain significance for Hypertrophic cardiomyopathy. Last evaluated: 2024-05-09. Review status: criteria provided, single submitter. Criteria: ACMG Guidelines, 2015. Collection method: clinical testing. Allele origin: germline. Inheritance: Autosomal dominant inheritance. Observed: 2 variant alleles, 2 heterozygotes.
Comment: This missense variant replaces isoleucine with leucine at codon 415 of the MYBPC3 protein. Computational prediction suggests that this variant may not impact protein structure and function (internally defined REVEL score threshold <= 0.5, PMID: 27666373). To our knowledge, functional studies have not been reported for this variant. This variant has not been reported in individuals affected with cardiovascular disorders in the literature. This variant has been identified in 2/31388 chromosomes in the general population by the Genome Aggregation Database (gnomAD). The available evidence is insufficient to determine the role of this variant in disease conclusively. Therefore, this variant is classified as a Variant of Uncertain Significance.

This study involves interpretation of variants in research participants for the purpose of population health screening. Participant phenotype was not available at the time of variant classification. Additional details can be found in publication PMID: 35346344, PMCID: PMC8962531

GeneDx
Classification: Uncertain significance. Last evaluated: 2024-05-03. Review status: criteria provided, single submitter. Criteria: GeneDx Variant Classification Process June 2021. Collection method: clinical testing. Allele origin: germline.
Comment: Has not been previously published as pathogenic or benign to our knowledge; In silico analysis indicates that this missense variant does not alter protein structure/function

Color Diagnostics, LLC DBA Color Health
Classification: Uncertain significance for Cardiomyopathy. Last evaluated: 2023-02-09. Review status: criteria provided, single submitter. Criteria: ACMG Guidelines, 2015. Collection method: clinical testing. Allele origin: germline.
Comment: This missense variant replaces isoleucine with leucine at codon 415 of the MYBPC3 protein. Computational prediction suggests that this variant may not impact protein structure and function (internally defined REVEL score threshold <= 0.5, PMID: 27666373). To our knowledge, functional studies have not been reported for this variant. This variant has not been reported in individuals affected with MYBPC3-related disorders in the literature. This variant has been identified in 2/31388 chromosomes in the general population by the Genome Aggregation Database (gnomAD). The available evidence is insufficient to determine the role of this variant in disease conclusively. Therefore, this variant is classified as a Variant of Uncertain Significance.

Women's Health and Genetics/Laboratory Corporation of America, LabCorp
Classification: Uncertain significance. Last evaluated: 2022-04-08. Review status: criteria provided, single submitter. Criteria: LabCorp Variant Classification Summary - May 2015. Collection method: clinical testing. Allele origin: germline.
Comment: Variant summary: MYBPC3 c.1243A>C (p.Ile415Leu) results in a conservative amino acid change in the encoded protein sequence. Four of four in-silico tools predict a benign effect of the variant on protein function. The variant was absent in 243266 control chromosomes (gnomAD). The available data on variant occurrences in the general population are insufficient to allow any conclusion about variant significance. To our knowledge, no occurrence of c.1243A>C in individuals affected with Dilated Cardiomyopathy and no experimental evidence demonstrating its impact on protein function have been reported. Three ClinVar submitters (evaluation after 2014) cite the variant as uncertain significance. Based on the evidence outlined above, the variant was classified as uncertain significance.

ARUP Laboratories, Molecular Genetics and Genomics, ARUP Laboratories
Classification: Uncertain significance. Last evaluated: 2019-03-14. Review status: criteria provided, single submitter. Criteria: ARUP Molecular Germline Variant Investigation Process. Collection method: clinical testing. Allele origin: germline.
Comment: The p.Ile415Leu variant has not been reported in the medical literature, gene specific variation databases, nor has it been previously identified by our laboratory. This variant is listed in the Genome Aggregation Database (gnomAD) Browser with an overall population frequency of 0.006 percent (identified on 2 out of 30,950 chromosomes). The isoleucine at position 415 is moderately conserved from human to zebrafish (Alamut v.2.9.0), and computational analyses of the effects of the p.Ile415Leu variant on protein structure and function indicates no deleterious effect (SIFT: tolerated, MutationTaster: polymorphism, PolyPhen-2: benign). Altogether, there is not enough evidence to classify the p.Ile415Leu variant with certainty.

Baylor-Hopkins Center for Mendelian Genomics, Johns Hopkins University School of Medicine
Classification: Likely pathogenic for Left ventricular noncompaction 10. Review status: flagged submission. Criteria: ACMG Guidelines, 2015. Collection method: research. Allele origin: unknown. Affected: yes. Observed: 1 variant allele, 1 heterozygote. Not counted in ClinVar's aggregate classification.
ClinVar note: Reason: Outlier claim with insufficient supporting evidence

NM_000256.3(MYBPC3):c.1243A>C (p.Ile415Leu)

Gene: MYBPC3 (myosin binding protein C3; minus strand). Cytogenetic location: 11p11.2.
Variant type: single nucleotide variant.
Coding change: c.1243A>C on transcript NM_000256.3 (MANE Select); coding-DNA position 1243, A replaced by C.
Protein change: p.Ile415Leu; replaces isoleucine 415 with leucine.
Molecular consequence: missense variant.
Genome position (GRCh38, 1-based): chr11:47,343,129, T>G on the plus strand (A>C on the coding strand, the complement: MYBPC3 is on the minus strand). VCF-style: chr11-47343129-T-G. GRCh37 (hg19) VCF-style: chr11-47364680-T-G.
Other names: c.1243A>C, p.Ile415Leu (LRG_386t1); short protein forms I415L.
Identifiers: ClinVar variation 618225 (VCV000618225.28), dbSNP rs1269517446, ClinGen allele CA380327675.
Genomic context (GRCh38, chr11:47,343,129, plus strand): 5'-GGTAGGCTGCGTCGTCCGCCAATGAGCACTGGCTGATGGTCAGGGTACGCTTGGCACCGA[T>G]GGACTCAAAGATGTACCTGGGTGGGGGCCGCAGGGAAGTGGCAGGAAAGCTGCGGACACC-3'
Protein context (NP_000247.2, residues 405-425): MSGSKYIFES[Ile415Leu]GAKRTLTISQ